The following is an entry in ClinVar:

ClinVar aggregate classification (germline): Likely benign. Review status: criteria provided, multiple submitters, no conflicts (2 of 4 stars). 3 submissions from 3 submitters: Likely benign (3). Last evaluated 2025-09-15.

Conditions:
Cardiovascular phenotype. Identifiers: MedGen CN230736.
Familial thoracic aortic aneurysm and aortic dissection (TAAD). Also called: Thoracic aortic aneurysms and dissections. Identifiers: Orphanet 91387, MedGen C4707243, MONDO:0019625.

Allele frequency attached by ClinVar (database versions not stated): gnomAD exomes below 0.00001; TOPMed 0.00001; gnomAD 0.00002.
gnomAD v4.1: 6 of 1,614,104 alleles (0.00037%); highest among the groups gnomAD compares: African/African-American, 0.0013%; no homozygotes.

Submissions (3):

Labcorp Genetics (formerly Invitae), Labcorp
Classification: Likely benign for Familial thoracic aortic aneurysm and aortic dissection. Last evaluated: 2025-09-15. Review status: criteria provided, single submitter. Criteria: Invitae Variant Classification Sherloc (09022015). Collection method: clinical testing. Allele origin: germline.

Ambry Genetics
Classification: Likely benign for Cardiovascular phenotype. Last evaluated: 2020-04-19. Review status: criteria provided, single submitter. Criteria: Ambry Variant Classification Scheme 2023. Collection method: clinical testing. Allele origin: germline.

GeneDx
Classification: Likely benign. Last evaluated: 2016-12-16. Review status: criteria provided, single submitter. Criteria: GeneDx Variant Classification (06012015). Collection method: clinical testing. Allele origin: germline. Affected: yes.
Comment: This variant is considered likely benign or benign based on one or more of the following criteria: it is a conservative change, it occurs at a poorly conserved position in the protein, it is predicted to be benign by multiple in silico algorithms, and/or has population frequency not consistent with disease.

NM_005911.6(MAT2A):c.477G>A (p.Lys159=)

Genes: MAT2A (methionine adenosyltransferase 2A; plus strand), GGCX (gamma-glutamyl carboxylase; minus strand). Cytogenetic location: 2p11.2.
Variant type: single nucleotide variant.
Coding change: c.477G>A on transcript NM_005911.6 (MANE Select); coding-DNA position 477, G replaced by A.
Protein change: p.Lys159=; no amino-acid change (lysine 159 retained).
Molecular consequence: synonymous variant.
Genome position (GRCh38, 1-based): chr2:85,541,900, G>A. VCF-style: chr2-85541900-G-A. GRCh37 (hg19) VCF-style: chr2-85769023-G-A.
Identifiers: ClinVar variation 391729 (VCV000391729.12), dbSNP rs1016317798, ClinGen allele CA16604413.